The following is an entry in ClinVar:

ClinVar aggregate classification (germline): Uncertain significance (1 of 4 stars; one submission).

Allele frequency attached by ClinVar (database versions not stated): gnomAD 0.00001; gnomAD exomes 0.00001; ExAC 0.00002; TOPMed 0.00003.
gnomAD v4.1: 17 of 1,613,034 alleles (0.0011%); highest among the groups gnomAD compares: South Asian, 0.0022%; no homozygotes.

Submission:

CeGaT Center for Human Genetics Tuebingen
Classification: Uncertain significance. Last evaluated: 2023-12-01. Review status: criteria provided, single submitter. Criteria: CeGaT Center For Human Genetics Tuebingen Variant Classification Criteria Version 2. Collection method: clinical testing. Allele origin: germline. Affected: yes. Observed: 1 variant allele.
Comment: TTN: PM2

NM_001267550.2(TTN):c.14867G>A (p.Gly4956Glu)

Gene: TTN (titin; minus strand). Cytogenetic location: 2q31.2.
Variant type: single nucleotide variant.
Coding change: c.14867G>A on transcript NM_001267550.2 (MANE Select); coding-DNA position 14867, G replaced by A.
Protein change: p.Gly4956Glu; replaces glycine 4956 with glutamic acid.
Molecular consequence: missense variant. On other transcripts: intron variant (3).
Genome position (GRCh38, 1-based): chr2:178,735,579, C>T on the plus strand (G>A on the coding strand, the complement: TTN is on the minus strand). VCF-style: chr2-178735579-C-T. GRCh37 (hg19) VCF-style: chr2-179600306-C-T.
Other names: c.13916G>A, p.Gly4639Glu (NM_001256850.1); c.11135G>A, p.Gly3712Glu (NM_133378.4); c.13282+2503G>A (NM_003319.4); c.13858+2503G>A (NM_133437.4); c.13657+2503G>A (NM_133432.3); short protein forms G3712E, G4639E, G4956E.
Identifiers: ClinVar variation 3024960 (VCV003024960.22), dbSNP rs747180511, ClinGen allele CA2002336.